The following is an entry in ClinVar:

NM_032237.5(POMK):c.91_98dup (p.Leu34fs)

Gene: POMK (protein O-mannose kinase; plus strand). Cytogenetic location: 8p11.21.
Variant type: Duplication.
Coding change: c.91_98dup on transcript NM_032237.5 (MANE Select); coding-DNA positions 91 to 98, 8 bases duplicated (AATACTCT; older notation c.91_98dupAATACTCT).
Protein change: p.Leu34fs; shifts the reading frame from leucine 34.
Molecular consequence: frameshift variant.
Genome position (GRCh38, 1-based): chr8:43,103,639-43,103,646, AATACTCT duplicated. VCF-style (leftmost placement, unchanged base first): chr8-43103638-G-GAATACTCT. GRCh37 (hg19) VCF-style: chr8-42958781-G-GAATACTCT.
Other names: c.91_98dup, p.Leu34fs (NM_001277971.2); short protein forms L34fs.
Identifiers: ClinVar variation 3760619 (VCV003760619.2).

ClinVar aggregate classification (germline): Pathogenic (1 of 4 stars; one submission).

Conditions:
Muscular dystrophy-dystroglycanopathy (congenital with brain and eye anomalies), type a, 12 (MDDGA12). Also called: WALKER-WARBURG SYNDROME OR MUSCLE-EYE-BRAIN DISEASE, POMK-RELATED. Identifiers: Orphanet 899, MedGen C3808964, MONDO:0014101, OMIM 615249.
Limb-girdle muscular dystrophy due to POMK deficiency. Also called: Muscular dystrophy-dystroglycanopathy (limb-girdle), type c, 12; MUSCULAR DYSTROPHY-DYSTROGLYCANOPATHY, LIMB-GIRDLE, POMK-RELATED. Identifiers: Orphanet 445110, MedGen C4015184, MONDO:0014489, OMIM 616094.

Submission:

Labcorp Genetics (formerly Invitae), Labcorp
Classification: Pathogenic for Muscular dystrophy-dystroglycanopathy (congenital with brain and eye anomalies), type a, 12; Limb-girdle muscular dystrophy due to POMK deficiency. Last evaluated: 2025-05-27. Review status: criteria provided, single submitter. Criteria: Invitae Variant Classification Sherloc (09022015). Collection method: clinical testing. Allele origin: germline.
Comment: This sequence change creates a premature translational stop signal (p.Leu34Ilefs*32) in the POMK gene. It is expected to result in an absent or disrupted protein product. Loss-of-function variants in POMK are known to be pathogenic (PMID: 24925318). This variant is not present in population databases (gnomAD no frequency). This variant has not been reported in the literature in individuals affected with POMK-related conditions. ClinVar contains an entry for this variant (Variation ID: 3760619). For these reasons, this variant has been classified as Pathogenic.

Literature cited by the submitters: PubMed 24925318.